The following is an entry in ClinVar:

NM_007294.4(BRCA1):c.153T>A (p.Leu51=)

Gene: BRCA1 (BRCA1 DNA repair associated; minus strand). Cytogenetic location: 17q21.31.
Variant type: single nucleotide variant.
Coding change: c.153T>A on transcript NM_007294.4 (MANE Select); coding-DNA position 153, T replaced by A.
Protein change: p.Leu51=; no amino-acid change (leucine 51 retained).
Molecular consequence: synonymous variant. On other transcripts: 5 prime UTR variant (61), intron variant (34).
Genome position (GRCh38, 1-based): chr17:43,106,515, A>T on the plus strand (T>A on the coding strand, the complement: BRCA1 is on the minus strand). VCF-style: chr17-43106515-A-T. GRCh37 (hg19) VCF-style: chr17-41258532-A-T.
Other names: c.-36T>A (NM_001407571.1, NM_001407853.1, NM_001407879.1 and 58 more transcripts); c.153T>A, p.Leu51= (NM_001407581.1, NM_001407582.1, NM_001407583.1 and 168 more transcripts); c.12T>A, p.Leu4= (NM_001407692.1, NM_001407694.1, NM_001407695.1 and 99 more transcripts); c.-218-11655T>A (NM_001407967.1, NM_001407966.1); c.-169-1559T>A (NM_001407959.1, NM_001407962.1, NM_001408512.1 and 4 more transcripts); c.81-1559T>A (NM_001408451.1); c.135-1559T>A (NM_001408475.1, NM_001407875.1, NM_001407659.1 and 21 more transcripts).
Identifiers: ClinVar variation 865206 (VCV000865206.3), dbSNP rs1131692081, ClinGen allele CA500128208.

Conditions:
Breast-ovarian cancer, familial, susceptibility to, 1 (BROVCA1). Also called: BRCA1 Hereditary Breast and Ovarian Cancer; OVARIAN CANCER, SUSCEPTIBILITY TO. Identifiers: Orphanet 145, MedGen C2676676, MONDO:0011450, OMIM 604370. Disease mechanism: loss of function.

Submission:

Brotman Baty Institute, University of Washington
No classification provided (evidence only). Condition: Breast-ovarian cancer, familial 1. Review status: no classification provided. Collection method: in vitro. Allele origin: not applicable. Functional consequence: functionally_normal.
ClinVar note: "not provided" was previously submitted as the classification for the variant. However, the classification appeared to be based only on an observation of functional data so it was converted to no classification on 2025-07-30.